The following is an entry in ClinVar:

ClinVar aggregate classification (germline): Uncertain significance. Review status: criteria provided, multiple submitters, no conflicts (2 of 4 stars). 2 submissions from 2 submitters: Uncertain significance (2). Last evaluated 2023-10-13.

Allele frequency attached by ClinVar (database versions not stated): gnomAD 0.00003; gnomAD exomes 0.00003 and 0.00004; TOPMed 0.00003; ExAC 0.00005; ESP Exome Variant Server 0.00015.
gnomAD v4.1: 50 of 1,614,038 alleles (0.0031%); highest among the groups gnomAD compares: East Asian, 0.036%; no homozygotes.

Submissions (2):

Labcorp Genetics (formerly Invitae), Labcorp
Classification: Uncertain significance. Last evaluated: 2023-10-13. Review status: criteria provided, single submitter. Criteria: Invitae Variant Classification Sherloc (09022015). Collection method: clinical testing. Allele origin: germline.
Comment: This sequence change replaces arginine, which is basic and polar, with cysteine, which is neutral and slightly polar, at codon 524 of the ASNS protein (p.Arg524Cys). This variant is present in population databases (rs373078034, gnomAD 0.01%). This variant has not been reported in the literature in individuals affected with ASNS-related conditions. ClinVar contains an entry for this variant (Variation ID: 1339683). Advanced modeling of protein sequence and biophysical properties (such as structural, functional, and spatial information, amino acid conservation, physicochemical variation, residue mobility, and thermodynamic stability) performed at Invitae indicates that this missense variant is expected to disrupt ASNS protein function. In summary, the available evidence is currently insufficient to determine the role of this variant in disease. Therefore, it has been classified as a Variant of Uncertain Significance.

Women's Health and Genetics/Laboratory Corporation of America, LabCorp
Classification: Uncertain significance. Last evaluated: 2022-01-11. Review status: criteria provided, single submitter. Criteria: LabCorp Variant Classification Summary - May 2015. Collection method: clinical testing. Allele origin: germline.
Comment: Variant summary: ASNS c.1570C>T (p.Arg524Cys) results in a non-conservative amino acid change in the encoded protein sequence. Three of five in-silico tools predict a damaging effect of the variant on protein function. The variant allele was found at a frequency of 4e-05 in 251436 control chromosomes (gnomAD). This frequency is not significantly higher than expected for a pathogenic variant in ASNS causing Asparagine Synthetase Deficiency (4e-05 vs 0.0011), allowing no conclusion about variant significance. To our knowledge, no occurrence of c.1570C>T in individuals affected with Asparagine Synthetase Deficiency and no experimental evidence demonstrating its impact on protein function have been reported. No clinical diagnostic laboratories have submitted clinical-significance assessments for this variant to ClinVar after 2014. Based on the evidence outlined above, the variant was classified as uncertain significance.

NM_001673.5(ASNS):c.1570C>T (p.Arg524Cys)

Genes: CZ1P-ASNS (CZ1P-ASNS readthrough; minus strand), ASNS (asparagine synthetase (glutamine-hydrolyzing); minus strand). Cytogenetic location: 7q21.3.
Variant type: single nucleotide variant.
Coding change: c.1570C>T on transcript NM_001673.5 (MANE Select); coding-DNA position 1570, C replaced by T.
Protein change: p.Arg524Cys; replaces arginine 524 with cysteine.
Molecular consequence: missense variant. On other transcripts: non-coding transcript variant (1).
Genome position (GRCh38, 1-based): chr7:97,852,375, G>A on the plus strand (C>T on the coding strand, the complement: ASNS is on the minus strand). VCF-style: chr7-97852375-G-A. GRCh37 (hg19) VCF-style: chr7-97481687-G-A.
Other names: c.1507C>T, p.Arg503Cys (NM_001178075.2); c.1321C>T, p.Arg441Cys (NM_001178076.2, NM_001178077.1); c.1570C>T, p.Arg524Cys (NM_001352496.2, NM_133436.3, NM_183356.4); short protein forms R441C, R503C, R524C.
Identifiers: ClinVar variation 1339683 (VCV001339683.5), dbSNP rs373078034, ClinGen allele CA4354475.
Genomic context (GRCh38, chr7:97,852,375, plus strand): 5'-CATTGATCCACTTGGGCATCCAGTAATGGCTCAGCCAGTCAGCCCGGCCTGGGTAATGGC[G>A]TTCAAAGACTTGACGGTAGTAATATCCTTCTTTGGTTTTAGGAGTATTGAAGGGAAATTT-3'
Protein context (NP_001664.3, residues 514-534): EGYYYRQVFE[Arg524Cys]HYPGRADWLS